The following is an entry in ClinVar:

ClinVar aggregate classification (germline): Uncertain significance (1 of 4 stars; one submission).

Allele frequency attached by ClinVar (database versions not stated): gnomAD exomes 0.00001.
gnomAD v4.1: 8 of 1,612,852 alleles (0.0005%); highest among the groups gnomAD compares: East Asian, 0.013%; no homozygotes.

Submission:

Laboratory for Molecular Medicine, Mass General Brigham Personalized Medicine
Classification: Uncertain significance. Last evaluated: 2015-03-12. Review status: criteria provided, single submitter. Criteria: LMM Criteria. Collection method: clinical testing. Allele origin: germline. Observed: 2 variant alleles.
Comment: It was absent from large population studies. Computational prediction to ols and conservation analysis are limited or unavailable for this variant. In su mmary, the clinical significance of the p.Pro4296Leu variant is uncertain.

NM_133379.5(TTN):c.12887C>T (p.Pro4296Leu)

Gene: TTN (titin; minus strand). Cytogenetic location: 2q31.2.
Variant type: single nucleotide variant.
Coding change: c.12887C>T on transcript NM_133379.5; coding-DNA position 12887, C replaced by T.
Protein change: p.Pro4296Leu; replaces proline 4296 with leucine.
Molecular consequence: missense variant. On other transcripts: intron variant (6).
Genome position (GRCh38, 1-based): chr2:178,749,513, G>A on the plus strand (C>T on the coding strand, the complement: TTN is on the minus strand). VCF-style: chr2-178749513-G-A. GRCh37 (hg19) VCF-style: chr2-179614240-G-A.
Other names: c.10222+3611C>T (NM_003319.4); c.10798+3611C>T (NM_133437.4); c.10597+3611C>T (NM_133432.3); c.10360+3611C>T (NM_133378.4, NM_001256850.1); c.11311+3611C>T (NM_001267550.2); short protein forms P4296L.
Identifiers: ClinVar variation 179528 (VCV000179528.5), dbSNP rs727504927, ClinGen allele CA184606.